The following is an entry in ClinVar:

ClinVar aggregate classification (germline): Pathogenic (1 of 4 stars; one submission).

Conditions:
Familial cancer of breast. Also called: BREAST CANCER, FAMILIAL; hereditary breast carcinoma; Hereditary breast cancer. Identifiers: Orphanet 227535, MedGen C0346153, MONDO:0016419, OMIM 114480. Disease mechanism: loss of function.

Submission:

Myriad Genetics, Inc.
Classification: Pathogenic for Familial cancer of breast. Last evaluated: 2023-05-19. Review status: criteria provided, single submitter. Criteria: Myriad Autosomal Dominant, Autosomal Recessive and X-Linked Classification Criteria (2023). Collection method: clinical testing. Allele origin: unknown.
Comment: This variant is considered pathogenic. This variant creates a termination codon and is predicted to result in premature protein truncation.

NM_000465.4(BARD1):c.682G>T (p.Glu228Ter)

Gene: BARD1 (BRCA1 associated RING domain 1; minus strand). Cytogenetic location: 2q35.
Variant type: single nucleotide variant.
Coding change: c.682G>T on transcript NM_000465.4 (MANE Select); coding-DNA position 682, G replaced by T.
Protein change: p.Glu228Ter; replaces glutamic acid 228 with a stop codon.
Molecular consequence: nonsense. On other transcripts: non-coding transcript variant (2), intron variant (3).
Genome position (GRCh38, 1-based): chr2:214,781,192, C>A on the plus strand (G>T on the coding strand, the complement: BARD1 is on the minus strand). VCF-style: chr2-214781192-C-A. GRCh37 (hg19) VCF-style: chr2-215645916-C-A.
Other names: c.625G>T, p.Glu209Ter (NM_001282543.2); c.158+28220G>T (NM_001282548.2); c.215+15869G>T (NM_001282545.2); c.364+11105G>T (NM_001282549.2); short protein forms E209*, E228*.
Identifiers: ClinVar variation 2584119 (VCV002584119.2), dbSNP rs2106111008, ClinGen allele CA350456435.
Genomic context (GRCh38, chr2:214,781,192, plus strand): 5'-CAGATGGTTGGCTACAGAAGGATACCAGCTTTTGCTTAGATTCCTCTTTGGAGTCAAATT[C>A]ACCATCTTCTTTTTCTGCCTCTAAATTCCATTTTTGGTTGATTTCAGCTAAAGTTTTCTT-3'